The following is an entry in ClinVar:

NM_000388.4(CASR):c.2830C>A (p.Gln944Lys)

Gene: CASR (calcium sensing receptor; plus strand). Cytogenetic location: 3q21.1.
Variant type: single nucleotide variant.
Coding change: c.2830C>A on transcript NM_000388.4 (MANE Select); coding-DNA position 2830, C replaced by A.
Protein change: p.Gln944Lys; replaces glutamine 944 with lysine.
Molecular consequence: missense variant.
Genome position (GRCh38, 1-based): chr3:122,284,784, C>A. VCF-style: chr3-122284784-C-A. GRCh37 (hg19) VCF-style: chr3-122003631-C-A.
Other names: c.2860C>A, p.Gln954Lys (NM_001178065.2); short protein forms Q944K, Q954K.
Identifiers: ClinVar variation 1364032 (VCV001364032.8), dbSNP rs2107651308, ClinGen allele CA354160863.

ClinVar aggregate classification (germline): Uncertain significance (1 of 4 stars; one submission).

Conditions:
Familial hypocalciuric hypercalcemia (FHH). Also called: Familial benign hypercalcemia. Identifiers: Orphanet 405, MedGen C1809471, MONDO:0018458.
Autosomal dominant hypocalcemia 1 (HYPOC1). Also called: HYPOCALCEMIA, FAMILIAL. Identifiers: MedGen C3715128, MONDO:0011013, OMIM 601198.

Submission:

Labcorp Genetics (formerly Invitae), Labcorp
Classification: Uncertain significance for Familial hypocalciuric hypercalcemia; Autosomal dominant hypocalcemia 1. Last evaluated: 2021-01-10. Review status: criteria provided, single submitter. Criteria: Invitae Variant Classification Sherloc (09022015). Collection method: clinical testing. Allele origin: germline.
Comment: In summary, the available evidence is currently insufficient to determine the role of this variant in disease. Therefore, it has been classified as a Variant of Uncertain Significance. Algorithms developed to predict the effect of missense changes on protein structure and function are either unavailable or do not agree on the potential impact of this missense change (SIFT: "Deleterious"; PolyPhen-2: "Benign"; Align-GVGD: "Class C0"). This variant has not been reported in the literature in individuals with CASR-related conditions. This variant is not present in population databases (ExAC no frequency). This sequence change replaces glutamine with lysine at codon 944 of the CASR protein (p.Gln944Lys). The glutamine residue is moderately conserved and there is a small physicochemical difference between glutamine and lysine.